The following is an entry in ClinVar:

NM_001287491.2(TET3):c.1307C>T (p.Ala436Val)

Gene: TET3 (tet methylcytosine dioxygenase 3; plus strand). Cytogenetic location: 2p13.1.
Variant type: single nucleotide variant.
Coding change: c.1307C>T on transcript NM_001287491.2 (MANE Select); coding-DNA position 1307, C replaced by T.
Protein change: p.Ala436Val; replaces alanine 436 with valine.
Molecular consequence: missense variant.
Genome position (GRCh38, 1-based): chr2:74,047,224, C>T. VCF-style: chr2-74047224-C-T. GRCh37 (hg19) VCF-style: chr2-74274351-C-T.
Other names: c.1028C>T, p.Ala343Val (NM_001366022.1); short protein forms A343V, A436V.
Identifiers: ClinVar variation 1314335 (VCV001314335.27), dbSNP rs201500476, ClinGen allele CA1718573.
Genomic context (GRCh38, chr2:74,047,224, plus strand): 5'-CTTTTGCTCCTGATAGCTCTGCCTTCCCTCCAGCAACTCCTAGAACTGAGTTCCCTGAAG[C>T]CTGGGGCACTGACACCCCTCCAGCAACGCCCCGGAGCTCCTGGCCCATGCCTCGCCCAAG-3'
Protein context (NP_001274420.1, residues 426-446): PATPRTEFPE[Ala436Val]WGTDTPPATP

ClinVar aggregate classification (germline): Conflicting classifications of pathogenicity. Review status: criteria provided, conflicting classifications (1 of 4 stars). 3 submissions from 3 submitters: Uncertain significance (2); Likely benign (1). Last evaluated 2026-02-20.

Conditions:
Beck-Fahrner syndrome (BEFAHRS). Identifiers: Orphanet 684216, MedGen C5394097, MONDO:0032922, OMIM 618798.

Allele frequency attached by ClinVar (database versions not stated): gnomAD exomes 0.00002 and 0.00004; ExAC 0.00005; 1000 Genomes Project 0.00020; TOPMed 0.00023; gnomAD 0.00025 and 0.00028; 1000 Genomes Project 30x 0.00031; ESP Exome Variant Server 0.00032.
gnomAD v4.1: 63 of 1,614,040 alleles (0.0039%); highest among the groups gnomAD compares: African/African-American, 0.079%; no homozygotes.

Submissions (3):

Dasa
Classification: Uncertain significance for Beck-Fahrner syndrome. Last evaluated: 2026-02-20. Review status: criteria provided, single submitter. Criteria: DASA Assertion Criteria. Collection method: clinical testing. Allele origin: germline.
Comment: NM_001287491.2(TET3):c.1307C>T (p.Ala436Val) is a missense variant that results in the substitution of alanine with valine. This variant is rare in population databases. Computational prediction algorithms are consistent with a benign effect. The currently available literature and clinical evidence are not sufficient to establish a definitive association between this variant and the reported condition. Therefore, this variant is classified as a variant of uncertain significance.

CeGaT Center for Human Genetics Tuebingen
Classification: Likely benign. Last evaluated: 2023-12-01. Review status: criteria provided, single submitter. Criteria: CeGaT Center For Human Genetics Tuebingen Variant Classification Criteria Version 2. Collection method: clinical testing. Allele origin: germline. Affected: yes. Observed: 1 variant allele.
Comment: TET3: BP4

GeneDx
Classification: Uncertain significance. Last evaluated: 2023-06-02. Review status: criteria provided, single submitter. Criteria: GeneDx Variant Classification Process June 2021. Collection method: clinical testing. Allele origin: germline. Affected: yes.
Comment: In silico analysis supports that this missense variant does not alter protein structure/function; Has not been previously published as pathogenic or benign to our knowledge